The following is an entry in ClinVar:

ClinVar aggregate classification (germline): Benign. Review status: criteria provided, multiple submitters, no conflicts (2 of 4 stars). 3 submissions from 3 submitters: Benign (2). 1 of the submissions does not count toward it. Last evaluated 2026-01-29.

Conditions:
DNAH9-related disorder. Also called: DNAH9-related condition.

Allele frequency attached by ClinVar (database versions not stated): ExAC 0.00260; 1000 Genomes Project 30x 0.00578; 1000 Genomes Project 0.00619; gnomAD 0.00764 and 0.00835; TOPMed 0.00888; ESP Exome Variant Server 0.00923.
gnomAD v4.1: 2,522 of 1,613,980 alleles (0.16%); highest among the groups gnomAD compares: African/African-American, 2.6%; 35 homozygotes.

Submissions (3):

Labcorp Genetics (formerly Invitae), Labcorp
Classification: Benign. Last evaluated: 2026-01-29. Review status: criteria provided, single submitter. Criteria: Invitae Variant Classification Sherloc (09022015). Collection method: clinical testing. Allele origin: germline.

Breakthrough Genomics
Classification: Benign. Review status: criteria provided, single submitter. Criteria: ACMG Guidelines, 2015. Collection method: not provided. Allele origin: germline. Inheritance: Autosomal recessive inheritance. Affected: yes.

PreventionGenetics, part of Exact Sciences
Classification: Benign for DNAH9-related condition. Last evaluated: 2019-10-28. Review status: no assertion criteria provided. Collection method: clinical testing. Allele origin: germline. Not counted in ClinVar's aggregate classification.
Comment: This variant is classified as benign based on ACMG/AMP sequence variant interpretation guidelines (Richards et al. 2015 PMID: 25741868, with internal and published modifications).

NM_001372.4(DNAH9):c.5604C>T (p.Pro1868=)

Gene: DNAH9 (dynein axonemal heavy chain 9; plus strand). Cytogenetic location: 17p12.
Variant type: single nucleotide variant.
Coding change: c.5604C>T on transcript NM_001372.4 (MANE Select); coding-DNA position 5604, C replaced by T.
Protein change: p.Pro1868=; no amino-acid change (proline 1868 retained).
Molecular consequence: synonymous variant.
Genome position (GRCh38, 1-based): chr17:11,719,385, C>T. VCF-style: chr17-11719385-C-T. GRCh37 (hg19) VCF-style: chr17-11622702-C-T.
Other names: c.5604C>T (NM_001372.3).
Identifiers: ClinVar variation 1634787 (VCV001634787.11), dbSNP rs61739497, ClinGen allele CA8396050.
Genomic context (GRCh38, chr17:11,719,385, plus strand): 5'-GTTTGGCAGGTGCTACATCACCCTCACCCAGTCCCTGCACCTGACCATGAGTGGGGCTCC[C>T]GCAGGACCTGCAGGCACAGGCAAGACCGAGACCACCAAGGACCTGGGCCGCGCACTGGGC-3'
Protein context (NP_001363.2, residues 1858-1878): QSLHLTMSGA[Pro1868=]AGPAGTGKTE